The following is an entry in ClinVar:

ClinVar aggregate classification (germline): Uncertain significance. Review status: criteria provided, single submitter (1 of 4 stars). 2 submissions from 2 submitters: Uncertain significance (1). 1 of the submissions does not count toward it. Last evaluated 2025-08-09.

Conditions:
PLXNA4-related disorder. Also called: PLXNA4-related condition.

Submissions (2):

Ambry Genetics
Classification: Uncertain significance. Last evaluated: 2025-08-09. Review status: criteria provided, single submitter. Criteria: Ambry Variant Classification Scheme 2023. Collection method: clinical testing. Allele origin: germline.

PreventionGenetics, part of Exact Sciences
Classification: Uncertain significance for PLXNA4-related condition. Last evaluated: 2024-04-12. Review status: no assertion criteria provided. Collection method: clinical testing. Allele origin: germline. Not counted in ClinVar's aggregate classification.
Comment: The PLXNA4 c.155A>G variant is predicted to result in the amino acid substitution p.Asn52Ser. To our knowledge, this variant has not been reported in the literature. This variant is reported in 0.0050% of alleles in individuals of East Asian descent in gnomAD. At this time, the clinical significance of this variant is uncertain due to the absence of conclusive functional and genetic evidence.

NM_020911.2(PLXNA4):c.155A>G (p.Asn52Ser)

Gene: PLXNA4 (plexin A4; minus strand). Cytogenetic location: 7q32.3.
Variant type: single nucleotide variant.
Coding change: c.155A>G on transcript NM_020911.2 (MANE Select); coding-DNA position 155, A replaced by G.
Protein change: p.Asn52Ser; replaces asparagine 52 with serine.
Molecular consequence: missense variant.
Genome position (GRCh38, 1-based): chr7:132,508,539, T>C on the plus strand (A>G on the coding strand, the complement: PLXNA4 is on the minus strand). VCF-style: chr7-132508539-T-C. GRCh37 (hg19) VCF-style: chr7-132193298-T-C.
Other names: c.155A>G, p.Asn52Ser (NM_001105543.2, NM_001393897.1, NM_181775.4); short protein forms N52S.
Identifiers: ClinVar variation 3354450 (VCV003354450.2).